The following is an entry in ClinVar:

ClinVar aggregate classification (germline): Uncertain significance. Review status: criteria provided, single submitter (1 of 4 stars). 2 submissions from 2 submitters: Uncertain significance (1). 1 of the submissions does not count toward it. Last evaluated 2021-07-08.

Conditions:
Tumoral calcinosis, hyperphosphatemic, familial, 3. Identifiers: MedGen C4693864, MONDO:0060715, OMIM 617994.

Allele frequency attached by ClinVar (database versions not stated): TOPMed below 0.00001; gnomAD 0.00001; gnomAD exomes 0.00001.
gnomAD v4.1: 10 of 1,613,578 alleles (0.00062%); highest among the groups gnomAD compares: Non-Finnish European, 0.00085%; no homozygotes.

Submissions (2):

Fulgent Genetics
Classification: Uncertain significance for Tumoral calcinosis, hyperphosphatemic, familial, 3. Last evaluated: 2021-07-08. Review status: criteria provided, single submitter. Criteria: ACMG Guidelines, 2015. Collection method: clinical testing. Allele origin: unknown.

Martin Pollak Laboratory,  Beth Israel Deaconess Medical Center
Classification: Uncertain significance. Review status: no assertion criteria provided. Collection method: not provided. Allele origin: unknown. Not counted in ClinVar's aggregate classification.
Comment: Lower UCa2+ group
ClinVar note: Converted during submission from unknown to Uncertain significance.

NM_004795.4(KL):c.2684T>C (p.Ile895Thr)

Gene: KL (klotho; plus strand). Cytogenetic location: 13q13.1.
Variant type: single nucleotide variant.
Coding change: c.2684T>C on transcript NM_004795.4 (MANE Select); coding-DNA position 2684, T replaced by C.
Protein change: p.Ile895Thr; replaces isoleucine 895 with threonine.
Molecular consequence: missense variant.
Genome position (GRCh38, 1-based): chr13:33,061,763, T>C. VCF-style: chr13-33061763-T-C. GRCh37 (hg19) VCF-style: chr13-33635900-T-C.
Other names: short protein forms I895T.
Identifiers: ClinVar variation 64547 (VCV000064547.3), dbSNP rs387907441, ClinGen allele CA216379.